The following is an entry in ClinVar:

NM_003072.5(SMARCA4):c.991C>G (p.Gln331Glu)

Gene: SMARCA4 (SWI/SNF related BAF chromatin remodeling complex subunit ATPase 4; plus strand). Cytogenetic location: 19p13.2.
Variant type: single nucleotide variant.
Coding change: c.991C>G on transcript NM_003072.5 (MANE Select); coding-DNA position 991, C replaced by G.
Protein change: p.Gln331Glu; replaces glutamine 331 with glutamic acid.
Molecular consequence: missense variant. On other transcripts: non-coding transcript variant (1).
Genome position (GRCh38, 1-based): chr19:10,987,797, C>G. VCF-style: chr19-10987797-C-G. GRCh37 (hg19) VCF-style: chr19-11098473-C-G.
Other names: c.991C>G, p.Gln331Glu (NM_001128844.3, NM_001128845.2, NM_001128846.2 and 6 more transcripts); short protein forms Q331E.
Identifiers: ClinVar variation 5029808 (VCV005029808.1).
Genomic context (GRCh38, chr19:10,987,797, plus strand): 5'-CCTTCCCCCGCGCCCCCTGCCGTCCCACCCGCCGCCTCGCCCGTGATGCCACCGCAGACC[C>G]AGTCCCCCGGGCAGCCGGCCCAGCCCGCGCCCATGGTGCCACTGCACCAGAAGCAGAGCC-3'
Protein context (NP_003063.2, residues 321-341): AASPVMPPQT[Gln331Glu]SPGQPAQPAP

ClinVar aggregate classification (germline): Uncertain significance (1 of 4 stars; one submission).

Conditions:
Hereditary cancer-predisposing syndrome. Also called: Neoplastic Syndromes, Hereditary; Tumor predisposition; Hereditary neoplastic syndrome; Hereditary Cancer Syndrome. Identifiers: Orphanet 140162, MedGen C0027672, MeSH D009386, MONDO:0015356.

Submission:

Ambry Genetics
Classification: Uncertain significance for Hereditary cancer-predisposing syndrome. Last evaluated: 2026-08-28. Review status: criteria provided, single submitter. Criteria: Ambry Variant Classification Scheme 2023. Collection method: clinical testing. Allele origin: germline.
Comment: The p.Q331E variant (also known as c.991C>G), located in coding exon 5 of the SMARCA4 gene, results from a C to G substitution at nucleotide position 991. The glutamine at codon 331 is replaced by glutamic acid, an amino acid with highly similar properties. This amino acid position is highly conserved in available vertebrate species. In addition, the in silico prediction for this alteration is inconclusive. Based on the available evidence, the clinical significance of this variant remains unclear.